The following is an entry in ClinVar:

NM_015335.5(MED13L):c.5273G>C (p.Cys1758Ser)

Gene: MED13L (mediator complex subunit 13L; minus strand). Cytogenetic location: 12q24.21.
Variant type: single nucleotide variant.
Coding change: c.5273G>C on transcript NM_015335.5 (MANE Select); coding-DNA position 5273, G replaced by C.
Protein change: p.Cys1758Ser; replaces cysteine 1758 with serine.
Molecular consequence: missense variant.
Genome position (GRCh38, 1-based): chr12:115,980,841, C>G on the plus strand (G>C on the coding strand, the complement: MED13L is on the minus strand). VCF-style: chr12-115980841-C-G. GRCh37 (hg19) VCF-style: chr12-116418646-C-G.
Other names: short protein forms C1758S.
Identifiers: ClinVar variation 3362313 (VCV003362313.4).

ClinVar aggregate classification (germline): Uncertain significance. Review status: criteria provided, multiple submitters, no conflicts (2 of 4 stars). 2 submissions from 2 submitters: Uncertain significance (2). Last evaluated 2025-03-15.

Conditions:
Dextro-looped transposition of the great arteries. Also called: Dextrotransposition of the great arteries. Identifiers: Orphanet 860, MedGen C3531771, MONDO:0019443, OMIM 608808, HP:0031348.
Cardiac anomalies - developmental delay - facial dysmorphism syndrome (MRFACD). Also called: Impaired intellectual development and distinctive facial features with or without cardiac defects; MED13L Syndrome. Identifiers: Orphanet 369891, MedGen C5192431, MONDO:0014773, OMIM 616789.

gnomAD v4.1: 4 of 1,612,862 alleles (0.00025%); highest among the groups gnomAD compares: South Asian, 0.0033%; no homozygotes.

Submissions (2):

Labcorp Genetics (formerly Invitae), Labcorp
Classification: Uncertain significance for Dextro-looped transposition of the great arteries. Last evaluated: 2025-03-15. Review status: criteria provided, single submitter. Criteria: Invitae Variant Classification Sherloc (09022015). Collection method: clinical testing. Allele origin: germline.
Comment: This sequence change replaces cysteine, which is neutral and slightly polar, with serine, which is neutral and polar, at codon 1758 of the MED13L protein (p.Cys1758Ser). This variant is present in population databases (no rsID available, gnomAD 0.006%). This variant has not been reported in the literature in individuals affected with MED13L-related conditions. ClinVar contains an entry for this variant (Variation ID: 3362313). Invitae Evidence Modeling of protein sequence and biophysical properties (such as structural, functional, and spatial information, amino acid conservation, physicochemical variation, residue mobility, and thermodynamic stability) indicates that this missense variant is not expected to disrupt MED13L protein function with a negative predictive value of 80%. In summary, the available evidence is currently insufficient to determine the role of this variant in disease. Therefore, it has been classified as a Variant of Uncertain Significance.

Neuberg Centre For Genomic Medicine, NCGM
Classification: Uncertain significance for Cardiac anomalies - developmental delay - facial dysmorphism syndrome. Last evaluated: 2023-06-02. Review status: criteria provided, single submitter. Criteria: ACMG Guidelines, 2015. Collection method: clinical testing. Allele origin: germline. Inheritance: Autosomal dominant inheritance. Affected: yes.
Comment: The observed missense variant c.5273G>C(p.Cys1758Ser) in MED13L gene has not been reported previously as a pathogenic variant nor as a benign variant, to our knowledge. The c.5273G>C(p.Cys1758Ser) variant is reported with 0.001% allele frequency in gnomAD Exomes. The amino acid Cys at position 1758 is changed to a Ser changing protein sequence and it might alter its composition and physico-chemical properties. Computational evidence (Polyphen-Benign, SIFT-Tolerated and Mutation Taster-disease causing) predicts conflicting evidence on protein structure and function for this variant. The reference amino acid p.Cys1758Ser in MED13L is predicted as conserved by GERP++ and PhyloP across 100 vertebrates. For these reasons, this variant has been classified as Uncertain Significance.